The following is an entry in ClinVar:

NM_144670.6(A2ML1):c.2120-10A>G

Gene: A2ML1 (alpha-2-macroglobulin like 1; plus strand). Cytogenetic location: 12p13.31.
Variant type: single nucleotide variant.
Coding change: c.2120-10A>G on transcript NM_144670.6 (MANE Select); 10 bases into the intron before coding-DNA position 2120, A replaced by G.
Molecular consequence: intron variant.
Genome position (GRCh38, 1-based): chr12:8,850,150, A>G. VCF-style: chr12-8850150-A-G. GRCh37 (hg19) VCF-style: chr12-9002746-A-G.
Other names: c.647-10A>G (NM_001282424.3).
Identifiers: ClinVar variation 1386096 (VCV001386096.8), dbSNP rs1043378879, ClinGen allele CA232684591.

ClinVar aggregate classification (germline): Uncertain significance (1 of 4 stars; one submission).

Allele frequency attached by ClinVar (database versions not stated): gnomAD exomes below 0.00001; gnomAD 0.00001; TOPMed 0.00002.
gnomAD v4.1: 7 of 1,590,696 alleles (0.00044%); highest among the groups gnomAD compares: Non-Finnish European, 0.0006%; no homozygotes.

Submission:

Labcorp Genetics (formerly Invitae), Labcorp
Classification: Uncertain significance. Last evaluated: 2022-05-12. Review status: criteria provided, single submitter. Criteria: Invitae Variant Classification Sherloc (09022015). Collection method: clinical testing. Allele origin: germline.
Comment: This sequence change falls in intron 17 of the A2ML1 gene. It does not directly change the encoded amino acid sequence of the A2ML1 protein. The frequency data for this variant in the population databases is considered unreliable, as metrics indicate poor data quality at this position in the gnomAD database. In summary, the available evidence is currently insufficient to determine the role of this variant in disease. Therefore, it has been classified as a Variant of Uncertain Significance. Algorithms developed to predict the effect of sequence changes on RNA splicing suggest that this variant may disrupt the consensus splice site. This variant has not been reported in the literature in individuals affected with A2ML1-related conditions.